The following is an entry in ClinVar:

ClinVar aggregate classification (germline): Uncertain significance. Review status: criteria provided, multiple submitters, no conflicts (2 of 4 stars). 3 submissions from 3 submitters: Uncertain significance (3). Last evaluated 2024-10-21.

Submissions (3):

Labcorp Genetics (formerly Invitae), Labcorp
Classification: Uncertain significance. Last evaluated: 2024-10-21. Review status: criteria provided, single submitter. Criteria: Invitae Variant Classification Sherloc (09022015). Collection method: clinical testing. Allele origin: germline.
Comment: This sequence change replaces leucine, which is neutral and non-polar, with phenylalanine, which is neutral and non-polar, at codon 2029 of the ITPR1 protein (p.Leu2029Phe). This variant is not present in population databases (gnomAD no frequency). This variant has not been reported in the literature in individuals affected with ITPR1-related conditions. ClinVar contains an entry for this variant (Variation ID: 1304786). Invitae Evidence Modeling of protein sequence and biophysical properties (such as structural, functional, and spatial information, amino acid conservation, physicochemical variation, residue mobility, and thermodynamic stability) indicates that this missense variant is expected to disrupt ITPR1 protein function with a positive predictive value of 80%. In summary, the available evidence is currently insufficient to determine the role of this variant in disease. Therefore, it has been classified as a Variant of Uncertain Significance.

Athena Diagnostics
Classification: Uncertain significance. Last evaluated: 2021-06-18. Review status: criteria provided, single submitter. Criteria: Athena Diagnostics Criteria. Collection method: clinical testing. Allele origin: unknown.

GeneDx
Classification: Uncertain significance. Last evaluated: 2020-09-02. Review status: criteria provided, single submitter. Criteria: GeneDx Variant Classification Process June 2021. Collection method: clinical testing. Allele origin: germline. Affected: yes.
Comment: Not observed in large population cohorts (Lek et al., 2016); In silico analysis supports that this missense variant has a deleterious effect on protein structure/function; Has not been previously published as pathogenic or benign to our knowledge

NM_001378452.1(ITPR1):c.6274C>T (p.Leu2092Phe)

Gene: ITPR1 (inositol 1,4,5-trisphosphate receptor type 1; plus strand). Cytogenetic location: 3p26.1.
Variant type: single nucleotide variant.
Coding change: c.6274C>T on transcript NM_001378452.1 (MANE Select); coding-DNA position 6274, C replaced by T.
Protein change: p.Leu2092Phe; replaces leucine 2092 with phenylalanine.
Molecular consequence: missense variant.
Genome position (GRCh38, 1-based): chr3:4,777,357, C>T. VCF-style: chr3-4777357-C-T. GRCh37 (hg19) VCF-style: chr3-4819041-C-T.
Other names: c.6085C>T, p.Leu2029Phe (NM_002222.7); c.6130C>T, p.Leu2044Phe (NM_001099952.4); c.6229C>T, p.Leu2077Phe (NM_001168272.2); short protein forms L2029F, L2044F, L2077F, L2092F.
Identifiers: ClinVar variation 1304786 (VCV001304786.6), dbSNP rs2125389919, ClinGen allele CA351637768.